The following is an entry in ClinVar:

ClinVar aggregate classification (germline): Uncertain significance (1 of 4 stars; one submission).

Conditions:
Duchenne muscular dystrophy (DMD). Also called: Duchenne Muscular Dystrophy (DMD); MUSCULAR DYSTROPHY, PSEUDOHYPERTROPHIC PROGRESSIVE, DUCHENNE TYPE. Identifiers: Orphanet 98896, MedGen C0013264, MONDO:0010679, OMIM 310200.

Submission:

Labcorp Genetics (formerly Invitae), Labcorp
Classification: Uncertain significance for Duchenne muscular dystrophy. Last evaluated: 2022-03-16. Review status: criteria provided, single submitter. Criteria: Invitae Variant Classification Sherloc (09022015). Collection method: clinical testing. Allele origin: germline.
Comment: This variant results in a copy number gain of the genomic region encompassing exon(s) 62-79 of the DMD gene. This region includes the termination codon of the gene. This copy number gain extends beyond the assayed region for this gene and therefore may encompass additional genes. As the precise location of this event is unknown, it may be in tandem or it may be located elsewhere in the genome. This variant has not been reported in the literature in individuals affected with DMD-related conditions. In summary, the available evidence is currently insufficient to determine the role of this variant in disease. Therefore, it has been classified as a Variant of Uncertain Significance.

NC_000023.10:g.(?_31140036)_(31341795_?)dup

Gene: DMD (dystrophin; minus strand). Cytogenetic location: Xp21.2.
Variant type: Duplication.
Identifiers: ClinVar variation 2424866 (VCV002424866.4).